The following is an entry in ClinVar:

NM_001081.4(CUBN):c.10250A>G (p.Asn3417Ser)

Gene: CUBN (cubilin; minus strand). Cytogenetic location: 10p13.
Variant type: single nucleotide variant.
Coding change: c.10250A>G on transcript NM_001081.4 (MANE Select); coding-DNA position 10250, A replaced by G.
Protein change: p.Asn3417Ser; replaces asparagine 3417 with serine.
Molecular consequence: missense variant.
Genome position (GRCh38, 1-based): chr10:16,835,126, T>C on the plus strand (A>G on the coding strand, the complement: CUBN is on the minus strand). VCF-style: chr10-16835126-T-C. GRCh37 (hg19) VCF-style: chr10-16877125-T-C.
Other names: short protein forms N3417S.
Identifiers: ClinVar variation 1918292 (VCV001918292.7), dbSNP rs145647391, ClinGen allele CA5422429.

ClinVar aggregate classification (germline): Uncertain significance. Review status: criteria provided, multiple submitters, no conflicts (2 of 4 stars). 5 submissions from 5 submitters: Uncertain significance (4). 1 of the submissions does not count toward it. Last evaluated 2026-06-05.

Conditions:
Imerslund-Grasbeck syndrome. Also called: ENTEROCYTE COBALAMIN MALABSORPTION; ENTEROCYTE INTRINSIC FACTOR RECEPTOR, DEFECT OF; PERNICIOUS ANEMIA, JUVENILE, DUE TO SELECTIVE INTESTINAL MALABSORPTION OF VITAMIN B12, WITH PROTEINURIA; Megaloblastic anemia due to inborn errors of metabolism; Imerslund-Gräsbeck syndrome. Identifiers: Orphanet 35858, MedGen C4551825, MONDO:0009853.
Imerslund-Grasbeck syndrome type 1 (IGS1). Also called: Megaloblastic anemia 1, Finnish type; MEGALOBLASTIC ANEMIA, 1; Imerslund-Gräsbeck syndrome 1. Identifiers: MedGen C4016819, MONDO:0100156, OMIM 261100.
Proteinuria, chronic benign. Identifiers: MedGen C5394384, MONDO:0030042, OMIM 618884.
CUBN-related disorder. Also called: CUBN-related condition.
Inborn genetic diseases. Identifiers: MedGen C0950123, MeSH D030342.

Allele frequency attached by ClinVar (database versions not stated): ExAC 0.00005; TOPMed 0.00022; ESP Exome Variant Server 0.00031; gnomAD exomes 0.00003; gnomAD 0.00020.
gnomAD v4.1: 71 of 1,614,182 alleles (0.0044%); highest among the groups gnomAD compares: African/African-American, 0.063%; no homozygotes.

Submissions (5):

Women's Health and Genetics/Laboratory Corporation of America, LabCorp
Classification: Uncertain significance. Last evaluated: 2026-06-05. Review status: criteria provided, single submitter. Criteria: LabCorp Variant Classification Summary - May 2015. Collection method: clinical testing. Allele origin: germline.
Comment: Variant summary: CUBN c.10250A>G (p.Asn3417Ser) results in a conservative amino acid change in the encoded protein sequence. Algorithms developed to predict the effect of missense changes on protein structure and function all suggest that this variant is likely to be tolerated. The variant allele was found at a frequency of 6.8e-05 in 251296 control chromosomes. This frequency is not significantly higher than estimated for disease-causing variants in CUBN, allowing no conclusion about variant significance. To our knowledge, no occurrence of c.10250A>G in individuals affected with CUBN-related conditions and no experimental evidence demonstrating its impact on protein function have been reported. ClinVar contains an entry for this variant (Variation ID: 1918292). Based on the evidence outlined above, the variant was classified as uncertain significance.

Ambry Genetics
Classification: Uncertain significance for Inborn genetic diseases. Last evaluated: 2025-02-09. Review status: criteria provided, single submitter. Criteria: Ambry Variant Classification Scheme 2023. Collection method: clinical testing. Allele origin: germline.

Fulgent Genetics
Classification: Uncertain significance for Imerslund-Grasbeck syndrome type 1; Proteinuria, chronic benign. Last evaluated: 2024-05-30. Review status: criteria provided, single submitter. Criteria: ACMG Guidelines, 2015. Collection method: clinical testing. Allele origin: germline.

Labcorp Genetics (formerly Invitae), Labcorp
Classification: Uncertain significance for Imerslund-Grasbeck syndrome. Last evaluated: 2022-06-24. Review status: criteria provided, single submitter. Criteria: Invitae Variant Classification Sherloc (09022015). Collection method: clinical testing. Allele origin: germline.
Comment: This sequence change replaces asparagine, which is neutral and polar, with serine, which is neutral and polar, at codon 3417 of the CUBN protein (p.Asn3417Ser). This variant is present in population databases (rs145647391, gnomAD 0.04%). This variant has not been reported in the literature in individuals affected with CUBN-related conditions. Algorithms developed to predict the effect of missense changes on protein structure and function output the following: SIFT: "Tolerated"; PolyPhen-2: "Benign"; Align-GVGD: "Class C0". The serine amino acid residue is found in multiple mammalian species, which suggests that this missense change does not adversely affect protein function. In summary, the available evidence is currently insufficient to determine the role of this variant in disease. Therefore, it has been classified as a Variant of Uncertain Significance.

PreventionGenetics, part of Exact Sciences
Classification: Uncertain significance for CUBN-related condition. Last evaluated: 2024-01-17. Review status: no assertion criteria provided. Collection method: clinical testing. Allele origin: germline. Not counted in ClinVar's aggregate classification.
Comment: The CUBN c.10250A>G variant is predicted to result in the amino acid substitution p.Asn3417Ser. To our knowledge, this variant has not been reported in the literature. This variant is reported in 0.036% of alleles in individuals of African descent in gnomAD. At this time, the clinical significance of this variant is uncertain due to the absence of conclusive functional and genetic evidence.